The following is an entry in ClinVar:

ClinVar aggregate classification (germline): Uncertain significance (1 of 4 stars; one submission).

Conditions:
46,XY sex reversal 9 (SRXY9). Also called: 46,XY SEX REVERSAL, ZFPM2-RELATED. Identifiers: Orphanet 251510, MedGen C4015129, MONDO:0014480, OMIM 616067.

Submission:

Labcorp Genetics (formerly Invitae), Labcorp
Classification: Uncertain significance for 46,XY sex reversal 9. Last evaluated: 2021-07-09. Review status: criteria provided, single submitter. Criteria: Invitae Variant Classification Sherloc (09022015). Collection method: clinical testing. Allele origin: germline.
Comment: This sequence change replaces arginine with glycine at codon 849 of the ZFPM2 protein (p.Arg849Gly). The arginine residue is highly conserved and there is a moderate physicochemical difference between arginine and glycine. This variant is not present in population databases (ExAC no frequency). This variant has not been reported in the literature in individuals affected with ZFPM2-related conditions. Algorithms developed to predict the effect of missense changes on protein structure and function are either unavailable or do not agree on the potential impact of this missense change (SIFT: "Deleterious"; PolyPhen-2: "Benign"; Align-GVGD: "Class C25"). Algorithms developed to predict the effect of sequence changes on RNA splicing suggest that this variant may create or strengthen a splice site. In summary, the available evidence is currently insufficient to determine the role of this variant in disease. Therefore, it has been classified as a Variant of Uncertain Significance.

NM_012082.4(ZFPM2):c.2545A>G (p.Arg849Gly)

Genes: ZFPM2 (zinc finger protein, FOG family member 2; plus strand), ZFPM2-AS1 (ZFPM2 antisense RNA 1; minus strand), LOC126860469 (BRD4-independent group 4 enhancer GRCh37_chr8:106814445-106815644; plus strand). Cytogenetic location: 8q23.1.
Variant type: single nucleotide variant.
Coding change: c.2545A>G on transcript NM_012082.4 (MANE Select); coding-DNA position 2545, A replaced by G.
Protein change: p.Arg849Gly; replaces arginine 849 with glycine.
Molecular consequence: missense variant.
Genome position (GRCh38, 1-based): chr8:105,802,627, A>G. VCF-style: chr8-105802627-A-G. GRCh37 (hg19) VCF-style: chr8-106814855-A-G.
Other names: c.2386A>G, p.Arg796Gly (NM_001362836.2); c.2149A>G, p.Arg717Gly (NM_001362837.2); short protein forms R717G, R796G, R849G.
Identifiers: ClinVar variation 1398967 (VCV001398967.8), dbSNP rs2131181158, ClinGen allele CA371954404.
Genomic context (GRCh38, chr8:105,802,627, plus strand): 5'-CCCATAGATCTCAGCAAAAAGTGTTTATCTCAGTCTGAGCGGACGACCACGTCTCCCAAA[A>G]GGCTGCTGGACTATCACGAGTGCACTGTGTGCAAGATCAGTTTCAATAAGGTAGAAAACT-3'
Protein context (NP_036214.2, residues 839-859): QSERTTTSPK[Arg849Gly]LLDYHECTVC